The following is an entry in ClinVar:

NM_001360.3(DHCR7):c.729C>T (p.Pro243=)

Gene: DHCR7 (7-dehydrocholesterol reductase; minus strand). Cytogenetic location: 11q13.4.
Variant type: single nucleotide variant.
Coding change: c.729C>T on transcript NM_001360.3 (MANE Select); coding-DNA position 729, C replaced by T.
Protein change: p.Pro243=; no amino-acid change (proline 243 retained).
Molecular consequence: synonymous variant.
Genome position (GRCh38, 1-based): chr11:71,438,981, G>A on the plus strand (C>T on the coding strand, the complement: DHCR7 is on the minus strand). VCF-style: chr11-71438981-G-A. GRCh37 (hg19) VCF-style: chr11-71150027-G-A.
Other names: c.729C>T, p.Pro243= (NM_001163817.2).
Identifiers: ClinVar variation 287363 (VCV000287363.48), dbSNP rs145284180, ClinGen allele CA6162478.

ClinVar aggregate classification (germline): Conflicting classifications of pathogenicity. Review status: criteria provided, conflicting classifications (1 of 4 stars). 8 submissions from 8 submitters: Uncertain significance (1); Likely benign (6). 1 of the submissions does not count toward it. Last evaluated 2026-01-27.

Conditions:
Inborn genetic diseases. Identifiers: MedGen C0950123, MeSH D030342.
Smith-Lemli-Opitz syndrome (SLOS). Also called: 7-Dehydrocholesterol reductase deficiency; LETHAL ACRODYSGENITAL SYNDROME; POLYDACTYLY, SEX REVERSAL, RENAL HYPOPLASIA, AND UNILOBAR LUNG; RSH SYNDROME; RUTLEDGE LETHAL MULTIPLE CONGENITAL ANOMALY SYNDROME. Identifiers: Orphanet 818, MedGen C0175694, MONDO:0010035, OMIM 270400.

Allele frequency attached by ClinVar (database versions not stated): gnomAD 0.00019; ESP Exome Variant Server 0.00038; gnomAD exomes 0.00011 and 0.00016; ExAC 0.00018; TOPMed 0.00018.
gnomAD v4.1: 197 of 1,614,090 alleles (0.012%); highest among the groups gnomAD compares: African/African-American, 0.025%; no homozygotes.

Submissions (8):

Labcorp Genetics (formerly Invitae), Labcorp
Classification: Likely benign for Smith-Lemli-Opitz syndrome. Last evaluated: 2026-01-27. Review status: criteria provided, single submitter. Criteria: Invitae Variant Classification Sherloc (09022015). Collection method: clinical testing. Allele origin: germline.

Women's Health and Genetics/Laboratory Corporation of America, LabCorp
Classification: Likely benign. Last evaluated: 2024-12-06. Review status: criteria provided, single submitter. Criteria: LabCorp Variant Classification Summary - May 2015. Collection method: clinical testing. Allele origin: germline.

Blueprint Genetics
Classification: Likely benign. Last evaluated: 2024-11-11. Review status: criteria provided, single submitter. Criteria: ACMG Guidelines, 2015. Collection method: clinical testing. Allele origin: germline.

Ambry Genetics
Classification: Likely benign for Inborn genetic diseases. Last evaluated: 2022-08-22. Review status: criteria provided, single submitter. Criteria: Ambry Variant Classification Scheme 2023. Collection method: clinical testing. Allele origin: germline.

CeGaT Center for Human Genetics Tuebingen
Classification: Likely benign. Last evaluated: 2022-05-01. Review status: criteria provided, single submitter. Criteria: CeGaT Center For Human Genetics Tuebingen Variant Classification Criteria Version 2. Collection method: clinical testing. Allele origin: germline. Affected: yes. Observed: 1 variant allele.
Comment: DHCR7: BP4, BP7

GeneDx
Classification: Likely benign. Last evaluated: 2021-10-13. Review status: criteria provided, single submitter. Criteria: GeneDx Variant Classification Process June 2021. Collection method: clinical testing. Allele origin: germline. Affected: yes.

Eurofins Ntd Llc (ga)
Classification: Uncertain significance. Last evaluated: 2016-10-07. Review status: criteria provided, single submitter. Criteria: EGL Classification Definitions 2015. Collection method: clinical testing. Allele origin: germline. Observed: 2 variant alleles, 2 heterozygotes.

Natera, Inc.
Classification: Uncertain significance for Smith-Lemli-Opitz syndrome. Last evaluated: 2018-03-27. Review status: no assertion criteria provided. Collection method: clinical testing. Allele origin: germline. Not counted in ClinVar's aggregate classification.